The following is an entry in ClinVar:

ClinVar aggregate classification (germline): Likely pathogenic (1 of 4 stars; one submission).

Submission:

Labcorp Genetics (formerly Invitae), Labcorp
Classification: Likely pathogenic. Last evaluated: 2024-02-22. Review status: criteria provided, single submitter. Criteria: Invitae Variant Classification Sherloc (09022015). Collection method: clinical testing. Allele origin: germline.
Comment: This variant results in the deletion of part of exon 40 (c.3419-5_3424del) of the COL4A3 gene. It is expected to disrupt RNA splicing. Variants that disrupt the donor or acceptor splice site typically lead to a loss of protein function (PMID: 16199547), and loss-of-function variants in COL4A3 are known to be pathogenic (PMID: 8956999, 24854265, 26809805, 27281700). This variant is not present in population databases (gnomAD no frequency). This variant has not been reported in the literature in individuals affected with COL4A3-related conditions. In summary, the currently available evidence indicates that the variant is pathogenic, but additional data are needed to prove that conclusively. Therefore, this variant has been classified as Likely Pathogenic.

Literature cited by the submitters: PubMed 16199547; PubMed 8956999; PubMed 24854265; PubMed 26809805; PubMed 27281700.

NM_000091.5(COL4A3):c.3419-5_3424del

Genes: COL4A3 (collagen type IV alpha 3 chain; plus strand), MFF-DT (MFF divergent transcript; minus strand). Cytogenetic location: 2q36.3.
Variant type: Deletion.
Coding change: c.3419-5_3424del on transcript NM_000091.5 (MANE Select); 5 bases into the intron before coding-DNA position 3419 through coding-DNA position 3424, 11 bases deleted (TTCAGGTCTTC).
Molecular consequence: splice acceptor variant.
Genome position (GRCh38, 1-based): chr2:227,294,959-227,294,969, TTCAGGTCTTC deleted. VCF-style (leftmost placement, unchanged base first): chr2-227294958-TTTCAGGTCTTC-T. GRCh37 (hg19) VCF-style: chr2-228159674-TTTCAGGTCTTC-T.
Identifiers: ClinVar variation 2876047 (VCV002876047.3), dbSNP rs2469863067, ClinGen allele CA2739278682.